The following is an entry in ClinVar:

ClinVar aggregate classification (germline): Uncertain significance (1 of 4 stars; one submission).

Submission:

Athena Diagnostics
Classification: Uncertain significance. Last evaluated: 2025-01-17. Review status: criteria provided, single submitter. Criteria: Athena Diagnostics Criteria. Collection method: clinical testing. Allele origin: unknown.
Comment: Available data are insufficient to determine the clinical significance of the variant at this time. This variant has not been reported in large, multi-ethnic general populations. Polyphen and MutationTaster predict this amino acid change may be damaging to the protein.

NM_001378452.1(ITPR1):c.3971C>G (p.Thr1324Arg)

Gene: ITPR1 (inositol 1,4,5-trisphosphate receptor type 1; plus strand). Cytogenetic location: 3p26.1.
Variant type: single nucleotide variant.
Coding change: c.3971C>G on transcript NM_001378452.1 (MANE Select); coding-DNA position 3971, C replaced by G.
Protein change: p.Thr1324Arg; replaces threonine 1324 with arginine.
Molecular consequence: missense variant.
Genome position (GRCh38, 1-based): chr3:4,691,286, C>G. VCF-style: chr3-4691286-C-G. GRCh37 (hg19) VCF-style: chr3-4732970-C-G.
Other names: c.3944C>G, p.Thr1315Arg (NM_001099952.4); c.3926C>G, p.Thr1309Arg (NM_001168272.2); c.3899C>G, p.Thr1300Arg (NM_002222.7); short protein forms T1300R, T1309R, T1315R, T1324R.
Identifiers: ClinVar variation 4682177 (VCV004682177.1).